The following is an entry in ClinVar:

NM_007294.4(BRCA1):c.536_547+209delinsTCACCTTGAAGAATCTTACTTTAAAAAGGGAGCAAAAGAGGCCAGGCATGGT

Gene: BRCA1 (BRCA1 DNA repair associated; minus strand). Cytogenetic location: 17q21.31.
Variant type: Indel.
Coding change: c.536_547+209delinsTCACCTTGAAGAATCTTACTTTAAAAAGGGAGCAAAAGAGGCCAGGCATGGT on transcript NM_007294.4 (MANE Select); coding-DNA position 536 through 209 bases into the intron after coding-DNA position 547, the reference bases replaced by an inserted sequence.
Molecular consequence: splice donor variant. On other transcripts: intron variant (2).
Genome position (GRCh38, 1-based): chr17:43,099,566-43,099,786, 221 bases replaced. GRCh37 (hg19): chr17:41,251,583-41,251,803.
Other names: c.395_406+209delinsTCACCTTGAAGAATCTTACTTTAAAAAGGGAGCAAAAGAGGCCAGGCATGGT (NM_001407738.1, NM_001408498.1, NM_001407928.1 and 61 more transcripts); c.326_337+209delinsTCACCTTGAAGAATCTTACTTTAAAAAGGGAGCAAAAGAGGCCAGGCATGGT (NM_001407886.1, NM_001407881.1, NM_001407957.1 and 37 more transcripts); c.533_544+209delinsTCACCTTGAAGAATCTTACTTTAAAAAGGGAGCAAAAGAGGCCAGGCATGGT (NM_001407686.1, NM_001408397.1, NM_001407632.1 and 65 more transcripts); c.536_547+209delinsTCACCTTGAAGAATCTTACTTTAAAAAGGGAGCAAAAGAGGCCAGGCATGGT (NM_001408436.1, NM_001407665.1, NM_001407980.1 and 96 more transcripts); c.401_412+209delinsTCACCTTGAAGAATCTTACTTTAAAAAGGGAGCAAAAGAGGCCAGGCATGGT (NM_001408451.1); c.323_334+209delinsTCACCTTGAAGAATCTTACTTTAAAAAGGGAGCAAAAGAGGCCAGGCATGGT (NM_001407898.1, NM_001408509.1, NM_001408508.1 and 18 more transcripts); c.392_403+209delinsTCACCTTGAAGAATCTTACTTTAAAAAGGGAGCAAAAGAGGCCAGGCATGGT (NM_001407932.1, NM_001408464.1, NM_001407742.1 and 35 more transcripts); c.455_466+209delinsTCACCTTGAAGAATCTTACTTTAAAAAGGGAGCAAAAGAGGCCAGGCATGGT (NM_001408475.1, NM_001407875.1, NM_001407659.1 and 6 more transcripts); and 5 more.
Identifiers: ClinVar variation 2585827 (VCV002585827.3), dbSNP rs2552238579, ClinGen allele CA2582342178.

ClinVar aggregate classification (germline): Likely pathogenic (1 of 4 stars; one submission).

Conditions:
Hereditary cancer-predisposing syndrome. Also called: Hereditary neoplastic syndrome; Tumor predisposition; Hereditary Cancer Syndrome; Neoplastic Syndromes, Hereditary. Identifiers: Orphanet 140162, MedGen C0027672, MeSH D009386, MONDO:0015356.

Submission:

Ambry Genetics
Classification: Likely pathogenic for Hereditary cancer-predisposing syndrome. Last evaluated: 2024-08-30. Review status: criteria provided, single submitter. Criteria: Ambry Variant Classification Scheme 2023. Collection method: clinical testing. Allele origin: germline.
Comment: The c.536_547+209del221ins52 variant results from a deletion of 221 nucleotides and insertion of 52 nucleotides (TCACCTTGAAGAATCTTACTTTAAAAAGGGAGCAAAAGAGGCCAGGCATGGT) at positions c.536 to c.547+209 and involves the canonical splice donor site of coding exon 6 of the BRCA1 gene. This variant can also be described as c.[536_547del166insT; 547+213_547+220dup]. The canonical splice donor site is well conserved in available vertebrate species. Using the BDGP splice site prediction tool, this alteration is predicted to abolish the native donor splice site; however, direct evidence is insufficient at this time (Ambry internal data). This variant is considered to be rare based on population cohorts in the Genome Aggregation Database (gnomAD). Alterations that disrupt the canonical splice site are expected to cause aberrant splicing, resulting in an abnormal protein or a transcript that is subject to nonsense-mediated mRNA decay. As such, this alteration is classified as likely pathogenic.